The following is an entry in ClinVar:

ClinVar aggregate classification (germline): Uncertain significance (1 of 4 stars; one submission).

Conditions:
Sulfite oxidase deficiency due to molybdenum cofactor deficiency type C. Also called: Molybdenum cofactor deficiency, complementation group C; Molybdenum cofactor deficiency C. Identifiers: Orphanet 308400, Orphanet 833, MedGen C1854990, MONDO:0014212, OMIM 615501.

Allele frequency attached by ClinVar (database versions not stated): gnomAD exomes below 0.00001; TOPMed below 0.00001; gnomAD 0.00001.
gnomAD v4.1: 3 of 1,612,832 alleles (0.00019%); highest among the groups gnomAD compares: Non-Finnish European, 0.00025%; no homozygotes.

Submission:

Labcorp Genetics (formerly Invitae), Labcorp
Classification: Uncertain significance for Sulfite oxidase deficiency due to molybdenum cofactor deficiency type C. Last evaluated: 2025-07-24. Review status: criteria provided, single submitter. Criteria: Invitae Variant Classification Sherloc (09022015). Collection method: clinical testing. Allele origin: germline.
Comment: This sequence change replaces phenylalanine, which is neutral and non-polar, with leucine, which is neutral and non-polar, at codon 354 of the GPHN protein (p.Phe354Leu). This variant is not present in population databases (gnomAD no frequency). This variant has not been reported in the literature in individuals affected with GPHN-related conditions. ClinVar contains an entry for this variant (Variation ID: 1477576). Invitae Evidence Modeling of protein sequence and biophysical properties (such as structural, functional, and spatial information, amino acid conservation, physicochemical variation, residue mobility, and thermodynamic stability) has been performed for this missense variant. However, the output from this modeling did not meet the statistical confidence thresholds required to predict the impact of this variant on GPHN protein function. In summary, the available evidence is currently insufficient to determine the role of this variant in disease. Therefore, it has been classified as a Variant of Uncertain Significance.

NM_020806.5(GPHN):c.1060T>C (p.Phe354Leu)

Gene: GPHN (gephyrin; plus strand). Cytogenetic location: 14q23.3.
Variant type: single nucleotide variant.
Coding change: c.1060T>C on transcript NM_020806.5 (MANE Select); coding-DNA position 1060, T replaced by C.
Protein change: p.Phe354Leu; replaces phenylalanine 354 with leucine.
Molecular consequence: missense variant.
Genome position (GRCh38, 1-based): chr14:67,058,702, T>C. VCF-style: chr14-67058702-T-C. GRCh37 (hg19) VCF-style: chr14-67525419-T-C.
Other names: c.961T>C, p.Phe321Leu (NM_001024218.2); c.1120T>C, p.Phe374Leu (NM_001377514.1); c.1090T>C, p.Phe364Leu (NM_001377515.1); c.1081T>C, p.Phe361Leu (NM_001377516.1); c.1033T>C, p.Phe345Leu (NM_001377517.1); c.1018T>C, p.Phe340Leu (NM_001377518.1); c.1000T>C, p.Phe334Leu (NM_001377519.1); short protein forms F321L, F354L, F374L, F340L, F361L, F364L, F334L, F345L.
Identifiers: ClinVar variation 1477576 (VCV001477576.8), dbSNP rs1253036953, ClinGen allele CA390258232.
Genomic context (GRCh38, chr14:67,058,702, plus strand): 5'-TGTTTAGGTCACAGTGCTGTCGATATCACCAAGGTGGCTAGAAGACATCGCATGTCTCCT[T>C]TTCCTCTGACATCTATGGACAAAGCCTTTATCACAGTCCTGGAGATGACTCCGGTGCTTG-3'
Protein context (NP_065857.1, residues 344-364): KVARRHRMSP[Phe354Leu]PLTSMDKAFI